The following is an entry in ClinVar:

NM_017763.6(RNF43):c.1087C>G (p.Arg363Gly)

Gene: RNF43 (ring finger protein 43; minus strand). Cytogenetic location: 17q22.
Variant type: single nucleotide variant.
Coding change: c.1087C>G on transcript NM_017763.6 (MANE Select); coding-DNA position 1087, C replaced by G.
Protein change: p.Arg363Gly; replaces arginine 363 with glycine.
Molecular consequence: missense variant.
Genome position (GRCh38, 1-based): chr17:58,358,689, G>C on the plus strand (C>G on the coding strand, the complement: RNF43 is on the minus strand). VCF-style: chr17-58358689-G-C. GRCh37 (hg19) VCF-style: chr17-56436050-G-C.
Other names: c.1087C>G (NM_017763.4); c.1087C>G, p.Arg363Gly (NM_001305544.3); c.706C>G, p.Arg236Gly (NM_001305545.2); short protein forms R236G, R363G.
Identifiers: ClinVar variation 1056912 (VCV001056912.14), dbSNP rs761926947, ClinGen allele CA8673238.

ClinVar aggregate classification (germline): Conflicting classifications of pathogenicity. Review status: criteria provided, conflicting classifications (1 of 4 stars). 5 submissions from 5 submitters: Uncertain significance (4); Likely benign (1). Last evaluated 2026-01-21.

Conditions:
Sessile serrated polyposis cancer syndrome (SSPCS). Identifiers: Orphanet 157798, MedGen C4310714, MONDO:0014919, OMIM 617108.

gnomAD v4.1: 44 of 1,535,742 alleles (0.0029%); highest among the groups gnomAD compares: African/African-American, 0.052%; no homozygotes.

Submissions (5):

Ambry Genetics
Classification: Likely benign. Last evaluated: 2026-01-21. Review status: criteria provided, single submitter. Criteria: Ambry Variant Classification Scheme 2023. Collection method: clinical testing. Allele origin: germline.

Labcorp Genetics (formerly Invitae), Labcorp
Classification: Uncertain significance. Last evaluated: 2024-06-02. Review status: criteria provided, single submitter. Criteria: Invitae Variant Classification Sherloc (09022015). Collection method: clinical testing. Allele origin: germline.
Comment: This sequence change replaces arginine, which is basic and polar, with glycine, which is neutral and non-polar, at codon 363 of the RNF43 protein (p.Arg363Gly). This variant is present in population databases (rs761926947, gnomAD 0.02%). This variant has not been reported in the literature in individuals affected with RNF43-related conditions. ClinVar contains an entry for this variant (Variation ID: 1056912). An algorithm developed to predict the effect of missense changes on protein structure and function (PolyPhen-2) suggests that this variant is likely to be tolerated. In summary, the available evidence is currently insufficient to determine the role of this variant in disease. Therefore, it has been classified as a Variant of Uncertain Significance.

Fulgent Genetics
Classification: Uncertain significance for Sessile serrated polyposis cancer syndrome. Last evaluated: 2024-02-28. Review status: criteria provided, single submitter. Criteria: ACMG Guidelines, 2015. Collection method: clinical testing. Allele origin: germline.

Baylor Genetics
Classification: Uncertain significance for Sessile serrated polyposis cancer syndrome. Last evaluated: 2023-10-11. Review status: criteria provided, single submitter. Criteria: ACMG Guidelines, 2015. Collection method: clinical testing. Allele origin: unknown.

GeneDx
Classification: Uncertain significance. Last evaluated: 2023-04-25. Review status: criteria provided, single submitter. Criteria: GeneDx Variant Classification Process June 2021. Collection method: clinical testing. Allele origin: germline. Affected: yes.
Comment: Not observed at significant frequency in large population cohorts (gnomAD); In silico analysis supports that this missense variant does not alter protein structure/function; Has not been previously published as pathogenic or benign to our knowledge; Variants in candidate genes are classified as variants of uncertain significance in accordance with ACMG guidelines (Richards et al., 2015)